The following is an entry in ClinVar:

NM_001853.4(COL9A3):c.1680_1688del (p.561PPG[2])

Gene: COL9A3 (collagen type IX alpha 3 chain; plus strand). Cytogenetic location: 20q13.33.
Variant type: Deletion.
Coding change: c.1680_1688del on transcript NM_001853.4 (MANE Select); coding-DNA positions 1680 to 1688, 9 bases deleted (CCCCCCTGG; older notation c.1680_1688delCCCCCCTGG).
Protein change: p.561PPG[2].
Molecular consequence: inframe deletion.
Genome position (GRCh38, 1-based): chr20:62,837,159-62,837,167, CCCCCCTGG deleted; deleting any 9 consecutive bases within chr20:62,837,155-62,837,167 gives the same sequence; the c. name uses the placement nearest the transcript's 3' end. VCF-style (leftmost placement, unchanged base first): chr20-62837154-GCTGGCCCCC-G. GRCh37 (hg19) VCF-style: chr20-61468506-GCTGGCCCCC-G.
Identifiers: ClinVar variation 2440498 (VCV002440498.6), dbSNP rs776161550, ClinGen allele CA9950142.

ClinVar aggregate classification (germline): Uncertain significance. Review status: criteria provided, multiple submitters, no conflicts (2 of 4 stars). 2 submissions from 2 submitters: Uncertain significance (2). Last evaluated 2025-09-22.

Submissions (2):

Labcorp Genetics (formerly Invitae), Labcorp
Classification: Uncertain significance. Last evaluated: 2025-09-22. Review status: criteria provided, single submitter. Criteria: Invitae Variant Classification Sherloc (09022015). Collection method: clinical testing. Allele origin: germline.
Comment: This variant, c.1680_1688del, results in the deletion of 3 amino acid(s) of the COL9A3 protein (p.Pro567_Gly569del), but otherwise preserves the integrity of the reading frame. This variant is present in population databases (rs776161550, gnomAD 0.01%). This variant has not been reported in the literature in individuals affected with COL9A3-related conditions. ClinVar contains an entry for this variant (Variation ID: 2440498). Experimental studies and prediction algorithms are not available or were not evaluated, and the functional significance of this variant is currently unknown. In summary, the available evidence is currently insufficient to determine the role of this variant in disease. Therefore, it has been classified as a Variant of Uncertain Significance.

Revvity Omics, Revvity
Classification: Uncertain significance. Last evaluated: 2020-04-04. Review status: criteria provided, single submitter. Criteria: ACMG Guidelines, 2015. Collection method: clinical testing. Allele origin: germline.